The following is an entry in ClinVar:

ClinVar aggregate classification (germline): Uncertain significance (1 of 4 stars; one submission).

Conditions:
Charcot-Marie-Tooth disease type 1C. Also called: CHARCOT-MARIE-TOOTH DISEASE, DEMYELINATING, TYPE 1C; Charcot-Marie-Tooth disease, type IC; CHARCOT-MARIE-TOOTH NEUROPATHY, TYPE 1C; NEUROPATHY, HEREDITARY MOTOR AND SENSORY, TYPE IC; CMT, SLOW NERVE CONDUCTION TYPE C; HMSN IC. Identifiers: Orphanet 101083, MedGen C0270913, MONDO:0010995, OMIM 601098.

Allele frequency attached by ClinVar (database versions not stated): gnomAD 0.00003 and 0.00002; gnomAD exomes 0.00002; TOPMed 0.00002; ExAC 0.00002; ESP Exome Variant Server 0.00008.

Submission:

Labcorp Genetics (formerly Invitae), Labcorp
Classification: Uncertain significance for Charcot-Marie-Tooth disease type 1C. Last evaluated: 2024-06-29. Review status: criteria provided, single submitter. Criteria: Invitae Variant Classification Sherloc (09022015). Collection method: clinical testing. Allele origin: germline.
Comment: This sequence change replaces proline, which is neutral and non-polar, with serine, which is neutral and polar, at codon 39 of the LITAF protein (p.Pro39Ser). This variant is present in population databases (rs375202318, gnomAD 0.004%). This variant has not been reported in the literature in individuals affected with LITAF-related conditions. ClinVar contains an entry for this variant (Variation ID: 240077). An algorithm developed to predict the effect of missense changes on protein structure and function (PolyPhen-2) suggests that this variant is likely to be disruptive. In summary, the available evidence is currently insufficient to determine the role of this variant in disease. Therefore, it has been classified as a Variant of Uncertain Significance.

NM_001136472.2(LITAF):c.115C>T (p.Pro39Ser)

Gene: LITAF (lipopolysaccharide induced TNF factor; minus strand). Cytogenetic location: 16p13.13.
Variant type: single nucleotide variant.
Coding change: c.115C>T on transcript NM_001136472.2 (MANE Select); coding-DNA position 115, C replaced by T.
Protein change: p.Pro39Ser; replaces proline 39 with serine.
Molecular consequence: missense variant. On other transcripts: non-coding transcript variant (1).
Genome position (GRCh38, 1-based): chr16:11,556,616, G>A on the plus strand (C>T on the coding strand, the complement: LITAF is on the minus strand). VCF-style: chr16-11556616-G-A. GRCh37 (hg19) VCF-style: chr16-11650472-G-A.
Other names: c.115C>T, p.Pro39Ser (NM_001136473.1, NM_004862.4); short protein forms P39S.
Identifiers: ClinVar variation 240077 (VCV000240077.9), dbSNP rs375202318, ClinGen allele CA7904182.